The following is an entry in ClinVar:

ClinVar aggregate classification (germline): Uncertain significance (1 of 4 stars; one submission).

Conditions:
Joubert syndrome. Also called: JOUBERT-BOLTSHAUSER SYNDROME; Familial aplasia of the vermis. Identifiers: Orphanet 475, MedGen C5979921, MONDO:0018772.
Meckel-Gruber syndrome. Also called: DYSENCEPHALIA SPLANCHNOCYSTICA; GRUBER SYNDROME; Dysencephalia splachnocystica. Identifiers: Orphanet 564, MedGen C0265215, MONDO:0018921.

Submission:

Labcorp Genetics (formerly Invitae), Labcorp
Classification: Uncertain significance for Joubert syndrome; Meckel-Gruber syndrome. Last evaluated: 2025-07-15. Review status: criteria provided, single submitter. Criteria: Invitae Variant Classification Sherloc (09022015). Collection method: clinical testing. Allele origin: germline.
Comment: This sequence change replaces serine, which is neutral and polar, with threonine, which is neutral and polar, at codon 1010 of the CC2D2A protein (p.Ser1010Thr). This variant is not present in population databases (gnomAD no frequency). This variant has not been reported in the literature in individuals affected with CC2D2A-related conditions. Invitae Evidence Modeling of protein sequence and biophysical properties (such as structural, functional, and spatial information, amino acid conservation, physicochemical variation, residue mobility, and thermodynamic stability) indicates that this missense variant is not expected to disrupt CC2D2A protein function with a negative predictive value of 95%. Algorithms developed to predict the effect of sequence changes on RNA splicing suggest that this variant may disrupt the consensus splice site. In summary, the available evidence is currently insufficient to determine the role of this variant in disease. Therefore, it has been classified as a Variant of Uncertain Significance.

NM_001378615.1(CC2D2A):c.3029G>C (p.Ser1010Thr)

Genes: CC2D2A (coiled-coil and C2 domain containing 2A; plus strand), FBXL5 (F-box and leucine rich repeat protein 5; minus strand). Cytogenetic location: 4p15.32.
Variant type: single nucleotide variant.
Coding change: c.3029G>C on transcript NM_001378615.1 (MANE Select); coding-DNA position 3029, G replaced by C.
Protein change: p.Ser1010Thr; replaces serine 1010 with threonine.
Molecular consequence: missense variant.
Genome position (GRCh38, 1-based): chr4:15,563,369, G>C. VCF-style: chr4-15563369-G-C. GRCh37 (hg19) VCF-style: chr4-15564992-G-C.
Other names: c.3029G>C, p.Ser1010Thr (NM_001080522.2); c.2882G>C, p.Ser961Thr (NM_001378617.1); short protein forms S1010T, S961T.
Identifiers: ClinVar variation 4789744 (VCV004789744.1).
Genomic context (GRCh38, chr4:15,563,369, plus strand): 5'-GACCTTTCTTTTTCTTAGAGTCCTGATCCTGTTCTGTAATCATTAGCATTTTGGGCCTAA[G>C]CCTTTTCAAGCTGGCAGAACAAAAGCGACCACTGCGGCCAAGGAGAAAAGGTCGGAAGAA-3'
Protein context (NP_001365544.1, residues 1000-1020): EVPNISILGL[Ser1010Thr]LFKLAEQKRP